The following is an entry in ClinVar:

ClinVar aggregate classification (germline): Likely pathogenic (1 of 4 stars; one submission).

Conditions:
Methylmalonic aciduria due to methylmalonyl-CoA mutase deficiency (MAMM). Also called: Methylmalonic aciduria, mut type. Identifiers: Orphanet 27, MedGen C1855114, MONDO:0009612, OMIM 251000.

Submission:

Myriad Genetics, Inc.
Classification: Likely pathogenic for Methylmalonic aciduria due to methylmalonyl-CoA mutase deficiency. Last evaluated: 2022-03-27. Review status: criteria provided, single submitter. Criteria: Myriad Women's Health Autosomal Recessive and X-Linked Classification Criteria (2021). Collection method: clinical testing. Allele origin: unknown.
Comment: NM_000255.3(MMUT):c.511A>T(K171*) is expected to be pathogenic in the context of methylmalonic acidemia, MMUT-related. This variant is predicted to lead to an abnormal or absent protein product due to the creation of a premature termination codon in MMUT, a gene where loss-of-function variants are known to be pathogenic. Please note: this variant was assessed in the context of healthy population screening.

NM_000255.4(MMUT):c.511A>T (p.Lys171Ter)

Gene: MMUT (methylmalonyl-CoA mutase; minus strand). Cytogenetic location: 6p12.3.
Variant type: single nucleotide variant.
Coding change: c.511A>T on transcript NM_000255.4 (MANE Select); coding-DNA position 511, A replaced by T.
Protein change: p.Lys171Ter; replaces lysine 171 with a stop codon.
Molecular consequence: nonsense.
Genome position (GRCh38, 1-based): chr6:49,457,933, T>A on the plus strand (A>T on the coding strand, the complement: MMUT is on the minus strand). VCF-style: chr6-49457933-T-A. GRCh37 (hg19) VCF-style: chr6-49425646-T-A.
Other names: short protein forms K171*.
Identifiers: ClinVar variation 1725478 (VCV001725478.2), dbSNP rs1223169999, ClinGen allele CA364404573.